The following is an entry in ClinVar:

ClinVar aggregate classification (germline): Uncertain significance. Review status: criteria provided, multiple submitters, no conflicts (2 of 4 stars). 2 submissions from 2 submitters: Uncertain significance (2). Last evaluated 2026-02-09.

gnomAD v4.1: 2 of 1,613,368 alleles (0.00012%); highest among the groups gnomAD compares: Non-Finnish European, 0.00017%; no homozygotes.

Submissions (2):

Women's Health and Genetics/Laboratory Corporation of America, LabCorp
Classification: Uncertain significance. Last evaluated: 2026-02-09. Review status: criteria provided, single submitter. Criteria: LabCorp Variant Classification Summary - May 2015. Collection method: clinical testing. Allele origin: germline.
Comment: Variant summary: GAA c.1369C>A (p.Pro457Thr) results in a non-conservative amino acid change in the encoded protein sequence. Algorithms developed to predict the effect of missense changes on protein structure and function all suggest that this variant is likely to be disruptive. The variant was absent in 250376 control chromosomes. To our knowledge, no occurrence of c.1369C>A in individuals affected with GAA-related conditions and no experimental evidence demonstrating its impact on protein function have been reported. Multiple variants located at the same codon (c.1370C>A, p.Pro457His; c.1370C>G, p.Pro457Arg; c.1370C>T, p.Pro457Leu) have been classified as Pathogenic/Likely Pathogenic, supporting a critical relevance of this residue to GAA protein function. ClinVar contains an entry for this variant (Variation ID: 1309535). Based on the evidence outlined above, the variant was classified as VUS-possibly pathogenic.

GeneDx
Classification: Uncertain significance. Last evaluated: 2019-10-17. Review status: criteria provided, single submitter. Criteria: GeneDx Variant Classification Process June 2021. Collection method: clinical testing. Allele origin: germline. Affected: yes.
Comment: Not observed in large population cohorts (Lek et al., 2016); In silico analysis, which includes protein predictors and evolutionary conservation, supports a deleterious effect; Has not been previously published as pathogenic or benign to our knowledge

NM_000152.5(GAA):c.1369C>A (p.Pro457Thr)

Gene: GAA (alpha glucosidase; plus strand). Cytogenetic location: 17q25.3.
Variant type: single nucleotide variant.
Coding change: c.1369C>A on transcript NM_000152.5 (MANE Select); coding-DNA position 1369, C replaced by A.
Protein change: p.Pro457Thr; replaces proline 457 with threonine.
Molecular consequence: missense variant.
Genome position (GRCh38, 1-based): chr17:80,109,987, C>A. VCF-style: chr17-80109987-C-A. GRCh37 (hg19) VCF-style: chr17-78083786-C-A.
Other names: c.1369C>A, p.Pro457Thr (NM_001079803.3, NM_001079804.3); short protein forms P457T.
Identifiers: ClinVar variation 1309535 (VCV001309535.3), dbSNP rs2143866086, ClinGen allele CA401366407.
Genomic context (GRCh38, chr17:80,109,987, plus strand): 5'-AGGTTTCCCTCTTCCCAGGATCCTGCCATCAGCAGCTCGGGCCCTGCCGGGAGCTACAGG[C>A]CCTACGACGAGGGTCTGCGGAGGGGGGTTTTCATCACCAACGAGACCGGCCAGCCGCTGA-3'
Protein context (NP_000143.2, residues 447-467): SSSGPAGSYR[Pro457Thr]YDEGLRRGVF